The following is an entry in ClinVar:

NM_001162501.2(TNRC6B):c.263C>T (p.Pro88Leu)

Gene: TNRC6B (trinucleotide repeat containing adaptor 6B; plus strand). Cytogenetic location: 22q13.1.
Variant type: single nucleotide variant.
Coding change: c.263C>T on transcript NM_001162501.2 (MANE Select); coding-DNA position 263, C replaced by T.
Protein change: p.Pro88Leu; replaces proline 88 with leucine.
Molecular consequence: missense variant.
Genome position (GRCh38, 1-based): chr22:40,261,979, C>T. VCF-style: chr22-40261979-C-T. GRCh37 (hg19) VCF-style: chr22-40657983-C-T.
Other names: c.371C>T, p.Pro124Leu (NM_001024843.2); c.263C>T, p.Pro88Leu (NM_015088.3); short protein forms P124L, P88L.
Identifiers: ClinVar variation 1878934 (VCV001878934.2), dbSNP rs2517980583, ClinGen allele CA411626298.

ClinVar aggregate classification (germline): Uncertain significance (1 of 4 stars; one submission).

gnomAD v4.1: 1 of 1,612,146 alleles (0.000062%); highest among the groups gnomAD compares: Non-Finnish European, 0.000085%; no homozygotes.

Submission:

GeneDx
Classification: Uncertain significance. Last evaluated: 2023-10-12. Review status: criteria provided, single submitter. Criteria: GeneDx Variant Classification Process June 2021. Collection method: clinical testing. Allele origin: germline. Affected: yes.
Comment: Not observed at significant frequency in large population cohorts (gnomAD); In silico analysis supports that this missense variant has a deleterious effect on protein structure/function; Has not been previously published as pathogenic or benign to our knowledge